The following is an entry in ClinVar:

NM_014727.3(KMT2B):c.4020C>G (p.Ile1340Met)

Gene: KMT2B (lysine methyltransferase 2B; plus strand). Cytogenetic location: 19q13.12.
Variant type: single nucleotide variant.
Coding change: c.4020C>G on transcript NM_014727.3 (MANE Select); coding-DNA position 4020, C replaced by G.
Protein change: p.Ile1340Met; replaces isoleucine 1340 with methionine.
Molecular consequence: missense variant.
Genome position (GRCh38, 1-based): chr19:35,727,172, C>G. VCF-style: chr19-35727172-C-G. GRCh37 (hg19) VCF-style: chr19-36218073-C-G.
Other names: short protein forms I1340M.
Identifiers: ClinVar variation 4077292 (VCV004077292.1).

ClinVar aggregate classification (germline): Uncertain significance (1 of 4 stars; one submission).

Submission:

GeneDx
Classification: Uncertain significance. Last evaluated: 2025-02-26. Review status: criteria provided, single submitter. Criteria: GeneDx Variant Classification Process June 2021. Collection method: clinical testing. Allele origin: germline. Affected: yes.
Comment: Not observed at significant frequency in large population cohorts (gnomAD); In silico analysis indicates that this missense variant does not alter protein structure/function; Has not been previously published as pathogenic or benign to our knowledge